The following is an entry in ClinVar:

NC_000007.14:g.(?_5999102)_(6009025_?)del

Genes: PMS2 (PMS1 homolog 2, mismatch repair system component; minus strand), LOC129997916 (ATAC-STARR-seq lymphoblastoid active region 25614; plus strand). Cytogenetic location: 7p22.1.
Variant type: Deletion.
Identifiers: ClinVar variation 525972 (VCV000525972.1).

ClinVar aggregate classification (germline): Pathogenic (1 of 4 stars; one submission).

Conditions:
Hereditary nonpolyposis colorectal neoplasms. Identifiers: MedGen C0009405, MeSH D003123.

Submission:

Labcorp Genetics (formerly Invitae), Labcorp
Classification: Pathogenic for Hereditary nonpolyposis colorectal neoplasms. Last evaluated: 2017-11-13. Review status: criteria provided, single submitter. Criteria: Invitae Variant Classification Sherloc (09022015). Collection method: clinical testing. Allele origin: germline.
Comment: This variant is a gross deletion of the genomic region encompassing exons 1-6 of the PMS2 gene, which includes the initiator codon. The 5' end of this event is unknown as it extends beyond the assayed region for this gene and therefore may encompass additional genes. The 3' boundary is likely confined to intron 6 of the PMS2 gene. This is expected to result in an absent or disrupted protein product. A gross deletion of exons 1-6 has been reported in an individual affected with colon cancer (PMID: 20205264). Loss-of-function variants in PMS2 are known to be pathogenic (PMID: 21376568, 24362816). For these reasons, this variant has been classified as Pathogenic.

Literature cited by the submitters: PubMed 20205264.